The following is an entry in ClinVar:

ClinVar aggregate classification (germline): Uncertain significance (0 of 4 stars; one submission).

Conditions:
ERBB3-related disorder. Also called: ERBB3-related condition.

Submission:

PreventionGenetics, part of Exact Sciences
Classification: Uncertain significance for ERBB3-related condition. Last evaluated: 2024-09-18. Review status: no assertion criteria provided. Collection method: clinical testing. Allele origin: germline.
Comment: The ERBB3 c.1293G>T variant is predicted to result in the amino acid substitution p.Leu431Phe. To our knowledge, this variant has not been reported in the literature or in a large population database, indicating this variant is rare. At this time, the clinical significance of this variant is uncertain due to the absence of conclusive functional and genetic evidence.

NM_001982.4(ERBB3):c.1293G>T (p.Leu431Phe)

Gene: ERBB3 (erb-b2 receptor tyrosine kinase 3; plus strand). Cytogenetic location: 12q13.2.
Variant type: single nucleotide variant.
Coding change: c.1293G>T on transcript NM_001982.4 (MANE Select); coding-DNA position 1293, G replaced by T.
Protein change: p.Leu431Phe; replaces leucine 431 with phenylalanine.
Molecular consequence: missense variant.
Genome position (GRCh38, 1-based): chr12:56,093,363, G>T. VCF-style: chr12-56093363-G-T. GRCh37 (hg19) VCF-style: chr12-56487147-G-T.
Other names: short protein forms L431F.
Identifiers: ClinVar variation 3344890 (VCV003344890.1).